The following is an entry in ClinVar:

ClinVar aggregate classification (germline): Conflicting classifications of pathogenicity. Review status: criteria provided, conflicting classifications (1 of 4 stars). 3 submissions from 3 submitters: Uncertain significance (1); Likely benign (2). Last evaluated 2025-02-05.

Conditions:
POLD1-related polyposis and colorectal cancer syndrome (CRCS10). Also called: Colorectal cancer 10; COLORECTAL CANCER, SUSCEPTIBILITY TO, ON CHROMOSOME 19q; Colorectal cancer, susceptibility to, 10. Identifiers: Orphanet 220460, MedGen C2675481, MONDO:0012953, OMIM 612591.

Submissions (3):

Myriad Genetics, Inc.
Classification: Likely benign for POLD1-related polyposis and colorectal cancer syndrome. Last evaluated: 2025-02-05. Review status: criteria provided, single submitter. Criteria: Myriad Autosomal Dominant, Autosomal Recessive and X-Linked Classification Criteria (2023). Collection method: clinical testing. Allele origin: unknown.
Comment: This variant is considered likely benign. This variant is intronic and is not expected to impact mRNA splicing.

Labcorp Genetics (formerly Invitae), Labcorp
Classification: Likely benign for POLD1-related polyposis and colorectal cancer syndrome. Last evaluated: 2023-08-02. Review status: criteria provided, single submitter. Criteria: Invitae Variant Classification Sherloc (09022015). Collection method: clinical testing. Allele origin: germline.

Quest Diagnostics Nichols Institute San Juan Capistrano
Classification: Uncertain significance. Last evaluated: 2022-11-08. Review status: criteria provided, single submitter. Criteria: Quest Diagnostics criteria. Collection method: clinical testing. Allele origin: unknown.
Comment: To the best of our knowledge, the variant has not been reported in the published literature. It also has not been reported in large, multi-ethnic general populations. Analysis of this variant using software algorithms for the prediction of the effect of nucleotide changes on splicing yielded predictions that this variant does not affect POLD1 mRNA splicing . Based on the available information, we are unable to determine the clinical significance of this variant.

NM_002691.4(POLD1):c.1138-8del

Gene: POLD1 (DNA polymerase delta 1, catalytic subunit; plus strand). Cytogenetic location: 19q13.33.
Variant type: Deletion.
Coding change: c.1138-8del on transcript NM_002691.4 (MANE Select); 8 bases into the intron before coding-DNA position 1138, one base deleted (A; older notation c.1138-8delA).
Molecular consequence: intron variant.
Genome position (GRCh38, 1-based): chr19:50,403,485, A deleted. VCF-style (leftmost placement, unchanged base first): chr19-50403484-CA-C. GRCh37 (hg19) VCF-style: chr19-50906741-CA-C.
Other names: c.1138-8del (LRG_785t1, LRG_785t2, NM_001256849.1 and 2 more transcripts); c.1138-8delA (NM_002691.3).
Identifiers: ClinVar variation 469179 (VCV000469179.10), dbSNP rs1555790553, ClinGen allele CA658658835.
Genomic context (GRCh38, chr19:50,403,484, plus strand): 5'-ACATTCTGGAAGTAGGGGAATCCGAGGCAGGGCAACCACCAGGGTGACCCAATGTGCTCC[CA>C]CCCCCAGGCCTGGTCCACCTTCATCCGTATCATGGACCCCGACGTGATCACCGGTTACAA-3'